The following is an entry in ClinVar:

NM_001029.5(RPS26):c.181+6_181+7del

Gene: RPS26 (ribosomal protein S26; plus strand). Cytogenetic location: 12q13.2.
Variant type: Deletion.
Coding change: c.181+6_181+7del on transcript NM_001029.5 (MANE Select); bases 6 to 7 of the intron after coding-DNA position 181, 2 bases deleted (TG; older notation c.181+6_181+7delTG).
Molecular consequence: intron variant.
Genome position (GRCh38, 1-based): chr12:56,042,608-56,042,609, TG deleted; deleting any 2 consecutive bases within chr12:56,042,607-56,042,609 gives the same sequence; the c. name uses the placement nearest the transcript's 3' end. VCF-style (leftmost placement, unchanged base first): chr12-56042606-AGT-A. GRCh37 (hg19) VCF-style: chr12-56436390-AGT-A.
Identifiers: ClinVar variation 946046 (VCV000946046.10), dbSNP rs746906342, ClinGen allele CA6621714.
Genomic context (GRCh38, chr12:56,042,606, plus strand): 5'-GAAACATAGTGGAGGCCGCAGCAGTCAGGGACATTTCTGAAGCGAGCGTCTTCGATGGTA[AGT>A]GGGTCACCGGCGCGAACTGTGTGAGGATCCCAGTATCTTAAAGCCTTCGCCCAACTTCGC-3'

ClinVar aggregate classification (germline): Uncertain significance. Review status: criteria provided, multiple submitters, no conflicts (2 of 4 stars). 2 submissions from 2 submitters: Uncertain significance (2). Last evaluated 2022-02-24.

Conditions:
Diamond-Blackfan anemia 10 (DBA10). Also called: RPS26-Related Diamond-Blackfan Anemia. Identifiers: Orphanet 124, MedGen C2750080, MONDO:0013217, OMIM 613309.

Submissions (2):

Labcorp Genetics (formerly Invitae), Labcorp
Classification: Uncertain significance for Diamond-Blackfan anemia 10. Last evaluated: 2022-02-24. Review status: criteria provided, single submitter. Criteria: Invitae Variant Classification Sherloc (09022015). Collection method: clinical testing. Allele origin: germline.
Comment: In summary, the available evidence is currently insufficient to determine the role of this variant in disease. Therefore, it has been classified as a Variant of Uncertain Significance. Variants that disrupt the consensus splice site are a relatively common cause of aberrant splicing (PMID: 17576681, 9536098). Algorithms developed to predict the effect of sequence changes on RNA splicing suggest that this variant is not likely to affect RNA splicing. ClinVar contains an entry for this variant (Variation ID: 946046). This variant has not been reported in the literature in individuals affected with RPS26-related conditions. This variant is present in population databases (rs746906342, gnomAD 0.05%). This sequence change falls in intron 2 of the RPS26 gene. It does not directly change the encoded amino acid sequence of the RPS26 protein. It affects a nucleotide within the consensus splice site.

Fulgent Genetics
Classification: Uncertain significance for Diamond-Blackfan anemia 10. Last evaluated: 2022-02-09. Review status: criteria provided, single submitter. Criteria: ACMG Guidelines, 2015. Collection method: clinical testing. Allele origin: unknown.

Literature cited by the submitters: PubMed 17576681 (cited by Labcorp Genetics (formerly Invitae), Labcorp); PubMed 9536098 (cited by Labcorp Genetics (formerly Invitae), Labcorp).